The following is an entry in ClinVar:

NM_005559.4(LAMA1):c.1235A>G (p.Asp412Gly)

Gene: LAMA1 (laminin subunit alpha 1; minus strand). Cytogenetic location: 18p11.31.
Variant type: single nucleotide variant.
Coding change: c.1235A>G on transcript NM_005559.4 (MANE Select); coding-DNA position 1235, A replaced by G.
Protein change: p.Asp412Gly; replaces aspartic acid 412 with glycine.
Molecular consequence: missense variant.
Genome position (GRCh38, 1-based): chr18:7,042,171, T>C on the plus strand (A>G on the coding strand, the complement: LAMA1 is on the minus strand). VCF-style: chr18-7042171-T-C. GRCh37 (hg19) VCF-style: chr18-7042170-T-C.
Other names: short protein forms D412G.
Identifiers: ClinVar variation 1915745 (VCV001915745.5), dbSNP rs755304396, ClinGen allele CA8883061.

ClinVar aggregate classification (germline): Uncertain significance (1 of 4 stars; one submission).

Allele frequency attached by ClinVar (database versions not stated): TOPMed below 0.00001; ExAC 0.00001; gnomAD 0.00001; gnomAD exomes 0.00002.
gnomAD v4.1: 23 of 1,612,142 alleles (0.0014%); highest among the groups gnomAD compares: Non-Finnish European, 0.0019%; no homozygotes.

Submission:

Labcorp Genetics (formerly Invitae), Labcorp
Classification: Uncertain significance. Last evaluated: 2025-05-29. Review status: criteria provided, single submitter. Criteria: Invitae Variant Classification Sherloc (09022015). Collection method: clinical testing. Allele origin: germline.
Comment: This sequence change replaces aspartic acid, which is acidic and polar, with glycine, which is neutral and non-polar, at codon 412 of the LAMA1 protein (p.Asp412Gly). This variant is present in population databases (rs755304396, gnomAD 0.002%). This variant has not been reported in the literature in individuals affected with LAMA1-related conditions. ClinVar contains an entry for this variant (Variation ID: 1915745). An algorithm developed to predict the effect of missense changes on protein structure and function (PolyPhen-2) suggests that this variant is likely to be disruptive. In summary, the available evidence is currently insufficient to determine the role of this variant in disease. Therefore, it has been classified as a Variant of Uncertain Significance.